The following is an entry in ClinVar:

NM_004371.4(COPA):c.979_980delinsAT (p.Ala327Ile)

Gene: COPA (COPI coat complex subunit alpha; minus strand). Cytogenetic location: 1q23.2.
Variant type: Indel.
Coding change: c.979_980delinsAT on transcript NM_004371.4 (MANE Select); coding-DNA positions 979 to 980, GC replaced by AT.
Protein change: p.Ala327Ile; replaces alanine 327 with isoleucine.
Molecular consequence: missense variant.
Genome position (GRCh38, 1-based): chr1:160,311,964-160,311,965, GC replaced by AT on the plus strand (GC replaced by AT on the coding strand, the reverse complement: COPA is on the minus strand). VCF-style: chr1-160311964-GC-AT. GRCh37 (hg19) VCF-style: chr1-160281754-GC-AT.
Other names: c.979_980delinsAT, p.Ala327Ile (NM_001098398.2); short protein forms A327I.
Identifiers: ClinVar variation 3345682 (VCV003345682.1).
Genomic context (GRCh38, chr1:160,311,964, plus strand): 5'-TTGAAATCCAGCTGTCGTAAGAATCGGTCCTTGACATAGTGTAGCATATTGCCATGAACA[GC>AT]ATAGGCTGGCCGTTCCCGTTCCAGCTTAAACACAATCATACCACCATCATGGCCTGGGGG-3'
Protein context (NP_004362.2, residues 317-337): FKLERERPAY[Ala327Ile]VHGNMLHYVK

ClinVar aggregate classification (germline): Uncertain significance (0 of 4 stars; one submission).

Conditions:
COPA-related disorder. Also called: COPA-related condition.

Submission:

PreventionGenetics, part of Exact Sciences
Classification: Uncertain significance for COPA-related condition. Last evaluated: 2024-08-02. Review status: no assertion criteria provided. Collection method: clinical testing. Allele origin: germline.
Comment: The COPA c.979_980delinsAT variant is predicted to result in an in-frame deletion and insertion. To our knowledge, this variant has not been reported in the literature or in gnomAD, indicating this variant is rare. At this time, the clinical significance of this variant is uncertain due to the absence of conclusive functional and genetic evidence.